The following is an entry in ClinVar:

NM_000355.4(TCN2):c.280G>C (p.Gly94Arg)

Gene: TCN2 (transcobalamin 2; plus strand). Cytogenetic location: 22q12.2.
Variant type: single nucleotide variant.
Coding change: c.280G>C on transcript NM_000355.4 (MANE Select); coding-DNA position 280, G replaced by C.
Protein change: p.Gly94Arg; replaces glycine 94 with arginine.
Molecular consequence: missense variant.
Genome position (GRCh38, 1-based): chr22:30,612,895, G>C. VCF-style: chr22-30612895-G-C. GRCh37 (hg19) VCF-style: chr22-31008882-G-C.
Other names: c.280G>C, p.Gly94Arg (NM_001184726.2); short protein forms G94R.
Identifiers: ClinVar variation 935547 (VCV000935547.7), dbSNP rs11557600, ClinGen allele CA323231485.

ClinVar aggregate classification (germline): Uncertain significance (1 of 4 stars; one submission).

Conditions:
Transcobalamin II deficiency (TCN2D). Also called: Transcolabamin II deficiency; TC II DEFICIENCY; TCN2 DEFICIENCY. Identifiers: Orphanet 859, MedGen C0342701, MONDO:0010149, OMIM 275350.

Allele frequency attached by ClinVar (database versions not stated): TOPMed 0.00002.
gnomAD v4.1: 5 of 1,613,836 alleles (0.00031%); highest among the groups gnomAD compares: Non-Finnish European, 0.00042%; no homozygotes.

Submission:

Labcorp Genetics (formerly Invitae), Labcorp
Classification: Uncertain significance for Transcobalamin II deficiency. Last evaluated: 2021-08-30. Review status: criteria provided, single submitter. Criteria: Invitae Variant Classification Sherloc (09022015). Collection method: clinical testing. Allele origin: germline.
Comment: This sequence change replaces glycine with arginine at codon 94 of the TCN2 protein (p.Gly94Arg). The glycine residue is weakly conserved and there is a moderate physicochemical difference between glycine and arginine. This variant is not present in population databases (ExAC no frequency). This variant has not been reported in the literature in individuals affected with TCN2-related conditions. Algorithms developed to predict the effect of missense changes on protein structure and function output the following: SIFT: "Tolerated"; PolyPhen-2: "Benign"; Align-GVGD: "Class C0". The arginine amino acid residue is found in multiple mammalian species, which suggests that this missense change does not adversely affect protein function. In summary, the available evidence is currently insufficient to determine the role of this variant in disease. Therefore, it has been classified as a Variant of Uncertain Significance.